The following is an entry in ClinVar:

NM_001673.5(ASNS):c.528A>C (p.Lys176Asn)

Genes: ASNS (asparagine synthetase (glutamine-hydrolyzing); minus strand), CZ1P-ASNS (CZ1P-ASNS readthrough; minus strand). Cytogenetic location: 7q21.3.
Variant type: single nucleotide variant.
Coding change: c.528A>C on transcript NM_001673.5 (MANE Select); coding-DNA position 528, A replaced by C.
Protein change: p.Lys176Asn; replaces lysine 176 with asparagine.
Molecular consequence: missense variant. On other transcripts: non-coding transcript variant (1).
Genome position (GRCh38, 1-based): chr7:97,859,358, T>G on the plus strand (A>C on the coding strand, the complement: ASNS is on the minus strand). VCF-style: chr7-97859358-T-G. GRCh37 (hg19) VCF-style: chr7-97488670-T-G.
Other names: c.465A>C, p.Lys155Asn (NM_001178075.2); c.279A>C, p.Lys93Asn (NM_001178076.2, NM_001178077.1); c.528A>C, p.Lys176Asn (NM_001352496.2, NM_133436.3, NM_183356.4); short protein forms K155N, K176N, K93N.
Identifiers: ClinVar variation 1302456 (VCV001302456.4), dbSNP rs754531044, ClinGen allele CA4354748.

ClinVar aggregate classification (germline): Uncertain significance. Review status: criteria provided, multiple submitters, no conflicts (2 of 4 stars). 3 submissions from 3 submitters: Uncertain significance (3). Last evaluated 2024-03-25.

Conditions:
Inborn genetic diseases. Identifiers: MedGen C0950123, MeSH D030342.

Allele frequency attached by ClinVar (database versions not stated): ExAC 0.00001; TOPMed 0.00002; gnomAD 0.00003.
gnomAD v4.1: 10 of 1,613,486 alleles (0.00062%); highest among the groups gnomAD compares: African/African-American, 0.0013%; no homozygotes.

Submissions (3):

Ambry Genetics
Classification: Uncertain significance for Inborn genetic diseases. Last evaluated: 2024-03-25. Review status: criteria provided, single submitter. Criteria: Ambry Variant Classification Scheme 2023. Collection method: clinical testing. Allele origin: germline.

Labcorp Genetics (formerly Invitae), Labcorp
Classification: Uncertain significance. Last evaluated: 2022-07-06. Review status: criteria provided, single submitter. Criteria: Invitae Variant Classification Sherloc (09022015). Collection method: clinical testing. Allele origin: germline.
Comment: This sequence change replaces lysine, which is basic and polar, with asparagine, which is neutral and polar, at codon 176 of the ASNS protein (p.Lys176Asn). This variant is present in population databases (rs754531044, gnomAD 0.01%). This variant has not been reported in the literature in individuals affected with ASNS-related conditions. ClinVar contains an entry for this variant (Variation ID: 1302456). Algorithms developed to predict the effect of missense changes on protein structure and function (SIFT, PolyPhen-2, Align-GVGD) all suggest that this variant is likely to be tolerated. In summary, the available evidence is currently insufficient to determine the role of this variant in disease. Therefore, it has been classified as a Variant of Uncertain Significance.

GeneDx
Classification: Uncertain significance. Last evaluated: 2019-04-24. Review status: criteria provided, single submitter. Criteria: GeneDx Variant Classification Process June 2021. Collection method: clinical testing. Allele origin: germline. Affected: yes.
Comment: Not observed at a significant frequency in large population cohorts (Lek et al., 2016); In silico analysis, which includes protein predictors and evolutionary conservation, supports that this variant does not alter protein structure/function; Has not been previously published as pathogenic or benign to our knowledge